The following is an entry in ClinVar:

ClinVar aggregate classification (germline): Likely benign. Review status: criteria provided, multiple submitters, no conflicts (2 of 4 stars). 3 submissions from 3 submitters: Likely benign (3). Last evaluated 2025-11-25.

Conditions:
Cardiovascular phenotype. Identifiers: MedGen CN230736.
Alstrom syndrome (ALMS). Identifiers: Orphanet 64, MedGen C0268425, MONDO:0008763, OMIM 203800.

Allele frequency attached by ClinVar (database versions not stated): gnomAD exomes below 0.00001 and 0.00003; ExAC 0.00001.
gnomAD v4.1: 47 of 1,611,724 alleles (0.0029%); highest among the groups gnomAD compares: Non-Finnish European, 0.0039%; no homozygotes.

Submissions (3):

Labcorp Genetics (formerly Invitae), Labcorp
Classification: Likely benign for Alstrom syndrome. Last evaluated: 2025-11-25. Review status: criteria provided, single submitter. Criteria: Invitae Variant Classification Sherloc (09022015). Collection method: clinical testing. Allele origin: germline.

Ambry Genetics
Classification: Likely benign for Cardiovascular phenotype. Last evaluated: 2023-02-16. Review status: criteria provided, single submitter. Criteria: Ambry Variant Classification Scheme 2023. Collection method: clinical testing. Allele origin: germline.

GeneDx
Classification: Likely benign. Last evaluated: 2018-03-26. Review status: criteria provided, single submitter. Criteria: GeneDx Variant Classification (06012015). Collection method: clinical testing. Allele origin: germline. Affected: yes.
Comment: This variant is considered likely benign or benign based on one or more of the following criteria: it is a conservative change, it occurs at a poorly conserved position in the protein, it is predicted to be benign by multiple in silico algorithms, and/or has population frequency not consistent with disease.

NM_001378454.1(ALMS1):c.2094G>A (p.Val698=)

Gene: ALMS1 (ALMS1 centrosome and basal body associated protein; plus strand). Cytogenetic location: 2p13.1.
Variant type: single nucleotide variant.
Coding change: c.2094G>A on transcript NM_001378454.1 (MANE Select); coding-DNA position 2094, G replaced by A.
Protein change: p.Val698=; no amino-acid change (valine 698 retained).
Molecular consequence: synonymous variant.
Genome position (GRCh38, 1-based): chr2:73,448,621, G>A. VCF-style: chr2-73448621-G-A. GRCh37 (hg19) VCF-style: chr2-73675748-G-A.
Other names: c.2097G>A, p.Val699= (NM_015120.4).
Identifiers: ClinVar variation 240986 (VCV000240986.11), dbSNP rs200535382, ClinGen allele CA1713276.